The following is an entry in ClinVar:

NM_007294.4(BRCA1):c.220C>T (p.Gln74Ter)

Gene: BRCA1 (BRCA1 DNA repair associated; minus strand). Cytogenetic location: 17q21.31.
Variant type: single nucleotide variant.
Coding change: c.220C>T on transcript NM_007294.4 (MANE Select); coding-DNA position 220, C replaced by T.
Protein change: p.Gln74Ter; replaces glutamine 74 with a stop codon.
Molecular consequence: nonsense. On other transcripts: non-coding transcript variant (1).
Genome position (GRCh38, 1-based): chr17:43,104,949, G>A on the plus strand (C>T on the coding strand, the complement: BRCA1 is on the minus strand). VCF-style: chr17-43104949-G-A. GRCh37 (hg19) VCF-style: chr17-41256966-G-A.
Other names: c.79C>T, p.Gln27Ter (NM_001407842.1, NM_001407843.1, NM_001407844.1 and 99 more transcripts); c.10C>T, p.Gln4Ter (NM_001407853.1, NM_001407879.1, NM_001407881.1 and 58 more transcripts); c.220C>T, p.Gln74Ter (NM_001407854.1, NM_001407858.1, NM_001407859.1 and 168 more transcripts); c.142C>T, p.Gln48Ter (NM_001407862.1, NM_001407874.1, NM_001407875.1 and 21 more transcripts); c.-162C>T (NM_001407959.1, NM_001407960.1, NM_001407962.1 and 4 more transcripts); c.88C>T, p.Gln30Ter (NM_001408451.1); short protein forms Q74*, Q27*, Q30*, Q48*, Q4*.
Identifiers: ClinVar variation 54499 (VCV000054499.27), dbSNP rs80357234, ClinGen allele CA001476.

ClinVar aggregate classification (germline): Pathogenic. Review status: reviewed by expert panel (3 of 4 stars). 16 submissions from 16 submitters: Pathogenic (1). 15 of the submissions do not count toward it. Last evaluated 2016-09-08.

Conditions:
Hereditary cancer-predisposing syndrome. Also called: Tumor predisposition; Neoplastic Syndromes, Hereditary; Hereditary Cancer Syndrome; Hereditary neoplastic syndrome. Identifiers: Orphanet 140162, MedGen C0027672, MeSH D009386, MONDO:0015356.
Ovarian cancer. Also called: OVARIAN CANCER, SOMATIC. Identifiers: Orphanet 213500, MedGen C1140680, MONDO:0008170, OMIM 167000.
Hereditary breast ovarian cancer syndrome. Also called: Hereditary breast and ovarian cancer syndrome (HBOC); Hereditary breast and ovarian cancer syndrome; Hereditary breast and ovarian cancer; Hereditary breast and/or ovarian cancer syndrome; Breast and ovarian cancer; BRCA1- and BRCA2-Associated Hereditary Breast and Ovarian Cancer. Identifiers: Orphanet 145, MedGen C0677776, MeSH D061325, MONDO:0003582. Disease mechanism: loss of function.
Breast-ovarian cancer, familial, susceptibility to, 1 (BROVCA1). Also called: OVARIAN CANCER, SUSCEPTIBILITY TO; BRCA1 Hereditary Breast and Ovarian Cancer. Identifiers: Orphanet 145, MedGen C2676676, MONDO:0011450, OMIM 604370. Disease mechanism: loss of function.

Submissions (17):

Evidence-based Network for the Interpretation of Germline Mutant Alleles (ENIGMA)
Classification: Pathogenic for Breast-ovarian cancer, familial, susceptibility to, 1. Last evaluated: 2016-09-08. Review status: reviewed by expert panel. Criteria: ENIGMA BRCA1/2 Classification Criteria (2015). Collection method: curation. Allele origin: germline.
Comment: Variant allele predicted to encode a truncated non-functional protein.

Labcorp Genetics (formerly Invitae), Labcorp
Classification: Pathogenic for Hereditary breast ovarian cancer syndrome. Last evaluated: 2024-07-24. Review status: criteria provided, single submitter. Criteria: Invitae Variant Classification Sherloc (09022015). Collection method: clinical testing. Allele origin: germline. Not counted in ClinVar's aggregate classification.
Comment: This sequence change creates a premature translational stop signal (p.Gln74*) in the BRCA1 gene. It is expected to result in an absent or disrupted protein product. Loss-of-function variants in BRCA1 are known to be pathogenic (PMID: 20104584). This variant is not present in population databases (gnomAD no frequency). This premature translational stop signal has been observed in individual(s) with breast or ovarian cancer (PMID: 9150149). ClinVar contains an entry for this variant (Variation ID: 54499). RNA analysis performed to evaluate the impact of this premature translational stop signal on mRNA splicing indicates it does not significantly alter splicing (Invitae). For these reasons, this variant has been classified as Pathogenic.

Department of Clinical Genetics, Copenhagen University Hospital, Rigshospitalet
Classification: Pathogenic for Breast-ovarian cancer, familial, susceptibility to, 1. Last evaluated: 2024-05-27. Review status: criteria provided, single submitter. Criteria: ACMG Guidelines, 2015. Collection method: clinical testing. Allele origin: germline. Affected: yes. Not counted in ClinVar's aggregate classification.
Comment: PVS1; PM2_supporting; PM5_PTC_Strong

Baylor Genetics
Classification: Pathogenic for Breast-ovarian cancer, familial, susceptibility to, 1. Last evaluated: 2023-01-11. Review status: criteria provided, single submitter. Criteria: ACMG Guidelines, 2015. Collection method: clinical testing. Allele origin: unknown. Not counted in ClinVar's aggregate classification.

Ambry Genetics
Classification: Pathogenic for Hereditary cancer-predisposing syndrome. Last evaluated: 2022-07-28. Review status: criteria provided, single submitter. Criteria: Ambry Variant Classification Scheme 2023. Collection method: clinical testing. Allele origin: germline. Not counted in ClinVar's aggregate classification.
Comment: The p.Q74* pathogenic mutation (also known as c.220C>T), located in coding exon 4 of the BRCA1 gene, results from a C to T substitution at nucleotide position 220. This changes the amino acid from a glutamine to a stop codon within coding exon 4. This mutation has been previously reported in high-risk breast and/or ovarian cancer cohorts (Stoppa-Lyonnet D et al. Am. J. Hum. Genet., 1997 May;60:1021-30; Tung N et al. J. Clin. Oncol., 2016 May;34:1460-8; Sun J et al. Clin. Cancer Res. 2017 Oct;23(20):6113-6119; Singh et al. Breast Cancer Res. Treat. 2018 Jul;170(1):189-196 ). This alteration is expected to result in loss of function by premature protein truncation or nonsense-mediated mRNA decay. As such, this alteration is interpreted as a disease-causing mutation.

Clinical Genetics and Genomics, Karolinska University Hospital
Classification: Pathogenic. Last evaluated: 2018-08-13. Review status: criteria provided, single submitter. Criteria: ACMG Guidelines, 2015. Collection method: clinical testing. Allele origin: germline. Affected: yes. Observed: 1 variant allele. Not counted in ClinVar's aggregate classification.

3DMed Clinical Laboratory Inc
Classification: Pathogenic for Ovarian cancer. Last evaluated: 2017-10-23. Review status: criteria provided, single submitter. Criteria: ACMG Guidelines, 2015. Collection method: clinical testing. Allele origin: germline. Affected: yes. Not counted in ClinVar's aggregate classification.

Women's Health and Genetics/Laboratory Corporation of America, LabCorp
Classification: Pathogenic for Hereditary breast ovarian cancer syndrome. Last evaluated: 2017-07-24. Review status: criteria provided, single submitter. Criteria: LabCorp Variant Classification Summary - May 2015. Collection method: clinical testing. Allele origin: germline. Not counted in ClinVar's aggregate classification.
Comment: Variant summary: The BRCA1 c.220C>T (p.Gln74X) variant results in a premature termination codon, predicted to cause a truncated or absent BRCA1 protein due to nonsense mediated decay, which are commonly known mechanisms for disease. Truncations downstream of this position have been classified as pathogenic by our laboratory (e.g. p.Tyr101X, p.Glu143X, p.Ser157X, etc.). This variant is absent in 121250 control chromosomes from ExAC. This variant has been reported in several HBOC affected patients in literature (Stoppa-Lyonnet_1997, Kiechle_2000, Lecarpentier_2012, Bjorkman_2015, Wang_2015, Kwong_2016, Tung_2016, Lang_2017) and clinical databases (UMD, ClinVar). In addition, multiple clinical diagnostic laboratories/reputable databases have classified this variant as pathogenic. Taken together, this variant is classified as pathogenic.

GeneDx
Classification: Pathogenic. Last evaluated: 2017-06-09. Review status: criteria provided, single submitter. Criteria: GeneDx Variant Classification (06012015). Collection method: clinical testing. Allele origin: germline. Affected: yes. Not counted in ClinVar's aggregate classification.
Comment: This variant is denoted BRCA1 c.220C>T at the cDNA level and p.Gln74Ter (Q74X) at the protein level. Using alternate nomenclature, this variant has been published as BRCA1 339C>T. The substitution creates a nonsense variant, which changes a Glutamine to a premature stop codon (CAA>TAA), and is predicted to cause loss of normal protein function through either protein truncation or nonsense-mediated mRNA decay. This variant has been reported in individuals with hereditary breast and ovarian cancer (Stoppa-Lyonnet 1997, Kiechle 2000, Kwong 2016) and is considered pathogenic.

Consortium of Investigators of Modifiers of BRCA1/2 (CIMBA), c/o University of Cambridge
Classification: Pathogenic for Breast-ovarian cancer, familial, susceptibility to, 1. Last evaluated: 2015-10-02. Review status: criteria provided, single submitter. Criteria: CIMBA Mutation Classification guidelines May 2016. Collection method: clinical testing. Allele origin: germline. Not counted in ClinVar's aggregate classification.

Molecular Endocrinology Laboratory, Christian Medical College
Classification: Pathogenic for Breast-ovarian cancer, familial, susceptibility to, 1. Review status: criteria provided, single submitter. Criteria: ACMG Guidelines, 2015. Collection method: clinical testing. Allele origin: germline. Affected: yes. Not counted in ClinVar's aggregate classification.

BRCAlab, Lund University
Classification: Pathogenic for Breast-ovarian cancer, familial, susceptibility to, 1. Last evaluated: 2020-03-02. Review status: no assertion criteria provided. Collection method: clinical testing. Allele origin: germline. Affected: yes. Not counted in ClinVar's aggregate classification.

Research Molecular Genetics Laboratory, Women's College Hospital, University of Toronto
Classification: Pathogenic for Hereditary breast ovarian cancer syndrome. Last evaluated: 2014-01-31. Review status: no assertion criteria provided. Collection method: research. Allele origin: germline. Affected: yes. Study: The Canadian Open Genetics Repository (COGR). Not counted in ClinVar's aggregate classification.

Breast Cancer Information Core (BIC) (BRCA1)
Classification: Pathogenic for Breast-ovarian cancer, familial 1. Review status: no assertion criteria provided. Collection method: clinical testing. Allele origin: germline. Affected: yes. Observed: 1 variant allele. Not counted in ClinVar's aggregate classification.

Brotman Baty Institute, University of Washington
No classification provided (evidence only). Condition: Breast-ovarian cancer, familial 1. Review status: no classification provided. Collection method: in vitro. Allele origin: not applicable. Functional consequence: functionally_abnormal. Not counted in ClinVar's aggregate classification.
ClinVar note: "not provided" was previously submitted as the classification for the variant. However, the classification appeared to be based only on an observation of functional data so it was converted to no classification on 2025-07-30.

Clinical Genetics Laboratory, Department of Pathology, Netherlands Cancer Institute
Classification: Pathogenic. Review status: no assertion criteria provided. Collection method: clinical testing. Allele origin: germline. Affected: yes. Study: VKGL Data-share Consensus. Not counted in ClinVar's aggregate classification.

Joint Genome Diagnostic Labs from Nijmegen and Maastricht, Radboudumc and MUMC+
Classification: Pathogenic. Review status: no assertion criteria provided. Collection method: clinical testing. Allele origin: germline. Affected: yes. Study: VKGL Data-share Consensus. Not counted in ClinVar's aggregate classification.

Literature cited by the submitters: PubMed 20104584 (cited by Labcorp Genetics (formerly Invitae), Labcorp); PubMed 9150149 (cited by 3 submitters); PubMed 25823446 (cited by Ambry Genetics); PubMed 26976419 (cited by Ambry Genetics and Women's Health and Genetics/Laboratory Corporation of America, LabCorp); PubMed 15145354 (cited by 3DMed Clinical Laboratory Inc); PubMed 28294317 (cited by Women's Health and Genetics/Laboratory Corporation of America, LabCorp); PubMed 27157322 (cited by Women's Health and Genetics/Laboratory Corporation of America, LabCorp); PubMed 11102986 (cited by Women's Health and Genetics/Laboratory Corporation of America, LabCorp and Molecular Endocrinology Laboratory, Christian Medical College); PubMed 25646469 (cited by Women's Health and Genetics/Laboratory Corporation of America, LabCorp).